The following is an entry in ClinVar:

ClinVar aggregate classification (germline): Uncertain significance (1 of 4 stars; one submission).

Submission:

Labcorp Genetics (formerly Invitae), Labcorp
Classification: Uncertain significance. Last evaluated: 2023-06-24. Review status: criteria provided, single submitter. Criteria: Invitae Variant Classification Sherloc (09022015). Collection method: clinical testing. Allele origin: germline.
Comment: This sequence change replaces glutamic acid, which is acidic and polar, with alanine, which is neutral and non-polar, at codon 860 of the KCNQ5 protein (p.Glu860Ala). In summary, the available evidence is currently insufficient to determine the role of this variant in disease. Therefore, it has been classified as a Variant of Uncertain Significance. Advanced modeling of protein sequence and biophysical properties (such as structural, functional, and spatial information, amino acid conservation, physicochemical variation, residue mobility, and thermodynamic stability) performed at Invitae indicates that this missense variant is not expected to disrupt KCNQ5 protein function. This variant has not been reported in the literature in individuals affected with KCNQ5-related conditions. This variant is not present in population databases (gnomAD no frequency).

NM_019842.4(KCNQ5):c.2522A>C (p.Glu841Ala)

Gene: KCNQ5 (potassium voltage-gated channel subfamily Q member 5; plus strand). Cytogenetic location: 6q13.
Variant type: single nucleotide variant.
Coding change: c.2522A>C on transcript NM_019842.4 (MANE Select); coding-DNA position 2522, A replaced by C.
Protein change: p.Glu841Ala; replaces glutamic acid 841 with alanine.
Molecular consequence: missense variant.
Genome position (GRCh38, 1-based): chr6:73,195,137, A>C. VCF-style: chr6-73195137-A-C. GRCh37 (hg19) VCF-style: chr6-73904860-A-C.
Other names: c.2495A>C, p.Glu832Ala (NM_001160130.2); c.2552A>C, p.Glu851Ala (NM_001160132.2); c.2579A>C, p.Glu860Ala (NM_001160133.2); c.2192A>C, p.Glu731Ala (NM_001160134.2); short protein forms E731A, E851A, E832A, E841A, E860A.
Identifiers: ClinVar variation 2727065 (VCV002727065.3), dbSNP rs2533932696, ClinGen allele CA364696489.